The following is an entry in ClinVar:

NM_020745.4(AARS2):c.2892C>T (p.Thr964=)

Gene: AARS2 (alanyl-tRNA synthetase 2, mitochondrial; minus strand). Cytogenetic location: 6p21.1.
Variant type: single nucleotide variant.
Coding change: c.2892C>T on transcript NM_020745.4 (MANE Select); coding-DNA position 2892, C replaced by T.
Protein change: p.Thr964=; no amino-acid change (threonine 964 retained).
Molecular consequence: synonymous variant.
Genome position (GRCh38, 1-based): chr6:44,300,613, G>A on the plus strand (C>T on the coding strand, the complement: AARS2 is on the minus strand). VCF-style: chr6-44300613-G-A. GRCh37 (hg19) VCF-style: chr6-44268350-G-A.
Other names: c.2892C>T (NM_020745.3).
Identifiers: ClinVar variation 1584588 (VCV001584588.11), dbSNP rs371151506, ClinGen allele CA3833812.

ClinVar aggregate classification (germline): Likely benign. Review status: criteria provided, multiple submitters, no conflicts (2 of 4 stars). 3 submissions from 3 submitters: Likely benign (2). 1 of the submissions does not count toward it. Last evaluated 2024-06-16.

Conditions:
AARS2-related disorder. Also called: AARS2-related disorders; AARS2-related condition. Identifiers: MedGen CN381518, MONDO:1060240.

Allele frequency attached by ClinVar (database versions not stated): gnomAD exomes 0.00003 and 0.00008; TOPMed 0.00009; ExAC 0.00010; gnomAD 0.00013 and 0.00014; ESP Exome Variant Server 0.00031.

Submissions (3):

Labcorp Genetics (formerly Invitae), Labcorp
Classification: Likely benign. Last evaluated: 2024-06-16. Review status: criteria provided, single submitter. Criteria: Invitae Variant Classification Sherloc (09022015). Collection method: clinical testing. Allele origin: germline.

Blueprint Genetics
Classification: Likely benign. Last evaluated: 2024-01-17. Review status: criteria provided, single submitter. Criteria: ACMG Guidelines, 2015. Collection method: clinical testing. Allele origin: germline.

PreventionGenetics, part of Exact Sciences
Classification: Likely benign for AARS2-related condition. Last evaluated: 2024-04-03. Review status: no assertion criteria provided. Collection method: clinical testing. Allele origin: germline. Not counted in ClinVar's aggregate classification.
Comment: This variant is classified as likely benign based on ACMG/AMP sequence variant interpretation guidelines (Richards et al. 2015 PMID: 25741868, with internal and published modifications).